The following is an entry in ClinVar:

ClinVar aggregate classification (germline): Likely benign (1 of 4 stars; one submission).

gnomAD v4.1: 1 of 1,614,086 alleles (0.000062%); highest among the groups gnomAD compares: African/African-American, 0.0013%; no homozygotes.

Submission:

CeGaT Center for Human Genetics Tuebingen
Classification: Likely benign. Last evaluated: 2026-03-01. Review status: criteria provided, single submitter. Criteria: CeGaT Center For Human Genetics Tuebingen Variant Classification Criteria Version 2. Collection method: clinical testing. Allele origin: germline. Affected: yes. Observed: 1 variant allele.
Comment: CUL7: BP4, BP7

NM_014780.5(CUL7):c.1398C>T (p.Pro466=)

Gene: CUL7 (cullin 7; minus strand). Cytogenetic location: 6p21.1.
Variant type: single nucleotide variant.
Coding change: c.1398C>T on transcript NM_014780.5 (MANE Select); coding-DNA position 1398, C replaced by T.
Protein change: p.Pro466=; no amino-acid change (proline 466 retained).
Molecular consequence: synonymous variant.
Genome position (GRCh38, 1-based): chr6:43,050,134, G>A on the plus strand (C>T on the coding strand, the complement: CUL7 is on the minus strand). VCF-style: chr6-43050134-G-A. GRCh37 (hg19) VCF-style: chr6-43017872-G-A.
Other names: c.1494C>T, p.Pro498= (NM_001168370.2, NM_001374872.1); c.1398C>T, p.Pro466= (NM_001374873.1, NM_001374874.1).
Identifiers: ClinVar variation 4823889 (VCV004823889.4).